The following is an entry in ClinVar:

NM_001130987.2(DYSF):c.5785-8C>T

Gene: DYSF (dysferlin; plus strand). Cytogenetic location: 2p13.2.
Variant type: single nucleotide variant.
Coding change: c.5785-8C>T on transcript NM_001130987.2 (MANE Select); 8 bases into the intron before coding-DNA position 5785, C replaced by T.
Molecular consequence: intron variant.
Genome position (GRCh38, 1-based): chr2:71,674,189, C>T. VCF-style: chr2-71674189-C-T. GRCh37 (hg19) VCF-style: chr2-71901319-C-T.
Other names: p.?; c.5761-8C>T (NM_001130979.2); c.5782-8C>T (NM_001130981.2); c.5719-8C>T (NM_001130980.2); c.5731-8C>T (NM_001130978.2); c.5668-8C>T (NM_003494.4); c.5689-8C>T (NM_001130977.2); c.5626-8C>T (NM_001130976.2); and 6 more.
Identifiers: ClinVar variation 291071 (VCV000291071.24), dbSNP rs201191038, ClinGen allele CA1707507.

ClinVar aggregate classification (germline): Conflicting classifications of pathogenicity. Review status: criteria provided, conflicting classifications (1 of 4 stars). 5 submissions from 5 submitters: Uncertain significance (2); Likely benign (2). 1 of the submissions does not count toward it. Last evaluated 2025-12-28.

Conditions:
Neuromuscular disease caused by qualitative or quantitative defects of dysferlin. Also called: Qualitative or quantitative defects of dysferlin; Dysferlinopathy. Identifiers: Orphanet 207073, MedGen C2931687, MONDO:0016145.
Autosomal recessive limb-girdle muscular dystrophy type 2B (LGMDR2). Also called: MUSCULAR DYSTROPHY, LIMB-GIRDLE, TYPE 3; Limb-Girdle Muscular Dystrophy Type 2B (LGMD2B); MUSCULAR DYSTROPHY, LIMB-GIRDLE, AUTOSOMAL RECESSIVE 2; Limb-girdle muscular dystrophy, type 2B. Identifiers: Orphanet 268, MedGen C1850889, MONDO:0009676, OMIM 253601.

Allele frequency attached by ClinVar (database versions not stated): ESP Exome Variant Server 0.00008; gnomAD 0.00013; TOPMed 0.00022.
gnomAD v4.1: 390 of 1,613,564 alleles (0.024%); highest among the groups gnomAD compares: Admixed American, 0.03%; 1 homozygote.

Submissions (7):

Labcorp Genetics (formerly Invitae), Labcorp
Classification: Likely benign for Neuromuscular disease caused by qualitative or quantitative defects of dysferlin. Last evaluated: 2025-12-28. Review status: criteria provided, single submitter. Criteria: Invitae Variant Classification Sherloc (09022015). Collection method: clinical testing. Allele origin: germline.

Mayo Clinic Laboratories, Mayo Clinic
Classification: Likely benign. Last evaluated: 2025-10-16. Review status: criteria provided, single submitter. Criteria: ACMG Guidelines, 2015. Collection method: clinical testing. Allele origin: germline. Observed: 2 variant alleles.
Comment: BP4, BP7

Illumina Laboratory Services, Illumina
Classification: Uncertain significance for Qualitative or quantitative defects of dysferlin. Last evaluated: 2018-01-13. Review status: criteria provided, single submitter. Criteria: ICSL Variant Classification Criteria 13 December 2019. Collection method: clinical testing. Allele origin: germline.

Eurofins Ntd Llc (ga)
Classification: Uncertain significance. Last evaluated: 2016-09-22. Review status: criteria provided, single submitter. Criteria: EGL Classification Definitions 2015. Collection method: clinical testing. Allele origin: germline. Observed: 2 variant alleles, 2 heterozygotes.

Natera, Inc.
Classification: Uncertain significance for Limb-girdle muscular dystrophy type 2B. Last evaluated: 2019-11-11. Review status: no assertion criteria provided. Collection method: clinical testing. Allele origin: germline. Not counted in ClinVar's aggregate classification.

Dr. Peter K. Rogan Lab, Western University
No classification provided (evidence only). Condition: Acute myeloid leukemia. Review status: no classification provided. Collection method: in vitro. Allele origin: not applicable. Functional consequence: retained intron. Not counted in ClinVar's aggregate classification.

Dr. Peter K. Rogan Lab, Western University
No classification provided (evidence only). Condition: Ovarian serous cystadenocarcinoma. Review status: no classification provided. Collection method: in vitro. Allele origin: not applicable. Functional consequence: retained intron. Not counted in ClinVar's aggregate classification.